The following is an entry in ClinVar:

NM_000061.3(BTK):c.625G>T (p.Ala209Ser)

Gene: BTK (Bruton tyrosine kinase; minus strand). Cytogenetic location: Xq22.1.
Variant type: single nucleotide variant.
Coding change: c.625G>T on transcript NM_000061.3 (MANE Select); coding-DNA position 625, G replaced by T.
Protein change: p.Ala209Ser; replaces alanine 209 with serine.
Molecular consequence: missense variant.
Genome position (GRCh38, 1-based): chrX:101,360,719, C>A on the plus strand (G>T on the coding strand, the complement: BTK is on the minus strand). VCF-style: chrX-101360719-C-A. GRCh37 (hg19) VCF-style: chrX-100615707-C-A.
Other names: c.727G>T, p.Ala243Ser (NM_001287344.2); c.625G>T, p.Ala209Ser (NM_001287345.2); c.625G>T (NM_000061.2); short protein forms A209S, A243S.
Identifiers: ClinVar variation 1569708 (VCV001569708.11), dbSNP rs138352992, ClinGen allele CA10473137.

ClinVar aggregate classification (germline): Benign/Likely benign. Review status: criteria provided, multiple submitters, no conflicts (2 of 4 stars). 4 submissions from 4 submitters: Benign (1); Likely benign (3). Last evaluated 2025-09-26.

Conditions:
X-linked agammaglobulinemia with growth hormone deficiency (IGHD3). Also called: Isolated growth hormone deficiency type 3; Growth hormone deficiency with hypogammaglobulinemia; ISOLATED GROWTH HORMONE DEFICIENCY, TYPE III, WITH AGAMMAGLOBULINEMIA; AGAMMAGLOBULINEMIA AND ISOLATED GROWTH HORMONE DEFICIENCY, X-LINKED; FLEISHER SYNDROME; HYPOGAMMAGLOBULINEMIA AND ISOLATED GROWTH HORMONE DEFICIENCY, X-LINKED. Identifiers: Orphanet 231692, Orphanet 631, MedGen C0472813, MONDO:0010615, OMIM 307200.
BTK-related disorder. Also called: BTK-related condition.

Allele frequency attached by ClinVar (database versions not stated): gnomAD exomes 0.00003 and 0.00008; ExAC 0.00010; ESP Exome Variant Server 0.00019; TOPMed 0.00027; gnomAD 0.00028 and 0.00029; 1000 Genomes Project 30x 0.00042; 1000 Genomes Project 0.00053.
gnomAD v4.1: 67 of 1,209,484 alleles (0.0055%); highest among the groups gnomAD compares: African/African-American, 0.11%; no homozygotes.

Submissions (4):

PreventionGenetics, part of Exact Sciences
Classification: Likely benign for BTK-related condition. Last evaluated: 2025-09-26. Review status: criteria provided, single submitter. Criteria: ACMG Guidelines, 2015. Collection method: clinical testing. Allele origin: germline.
Comment: This variant is classified as likely benign based on ACMG/AMP sequence variant interpretation guidelines (Richards et al. 2015 PMID: 25741868, with internal and published modifications).

Labcorp Genetics (formerly Invitae), Labcorp
Classification: Benign for X-linked agammaglobulinemia with growth hormone deficiency. Last evaluated: 2025-09-13. Review status: criteria provided, single submitter. Criteria: Invitae Variant Classification Sherloc (09022015). Collection method: clinical testing. Allele origin: germline.

Women's Health and Genetics/Laboratory Corporation of America, LabCorp
Classification: Likely benign. Last evaluated: 2025-06-02. Review status: criteria provided, single submitter. Criteria: LabCorp Variant Classification Summary - May 2015. Collection method: clinical testing. Allele origin: germline.
Comment: Variant summary: BTK c.625G>T (p.Ala209Ser) results in a conservative amino acid change in the encoded protein sequence. Algorithms developed to predict the effect of missense changes on protein structure and function all suggest that this variant is likely to be tolerated. The variant allele was found at a frequency of 5.5e-05 in 1209484 control chromosomes, including 13 hemizygotes. This frequency is not significantly higher than estimated for a pathogenic variant in BTK causing X-Linked Agammaglobulinemia (5.5e-05 vs 0.0023). To our knowledge, no occurrence of c.625G>T in individuals affected with X-Linked Agammaglobulinemia and no experimental evidence demonstrating its impact on protein function have been reported. ClinVar contains an entry for this variant (Variation ID: 1569708). Based on the evidence outlined above, the variant was classified as likely benign.

Blueprint Genetics
Classification: Likely benign. Last evaluated: 2022-07-14. Review status: criteria provided, single submitter. Criteria: ACMG Guidelines, 2015. Collection method: clinical testing. Allele origin: germline.